The following is an entry in ClinVar:

ClinVar aggregate classification (germline): Uncertain significance (1 of 4 stars; one submission).

Conditions:
Cardiovascular phenotype. Identifiers: MedGen CN230736.

Submission:

Ambry Genetics
Classification: Uncertain significance for Cardiovascular phenotype. Last evaluated: 2023-05-01. Review status: criteria provided, single submitter. Criteria: Ambry Variant Classification Scheme 2023. Collection method: clinical testing. Allele origin: germline.
Comment: The p.D23G variant (also known as c.68A>G), located in coding exon 1 of the RAF1 gene, results from an A to G substitution at nucleotide position 68. The aspartic acid at codon 23 is replaced by glycine, an amino acid with similar properties. This amino acid position is not well conserved in available vertebrate species. In addition, the in silico prediction for this alteration is inconclusive. Since supporting evidence is limited at this time, the clinical significance of this alteration remains unclear.

NM_002880.4(RAF1):c.68A>G (p.Asp23Gly)

Gene: RAF1 (Raf-1 proto-oncogene, serine/threonine kinase; minus strand). Cytogenetic location: 3p25.2.
Variant type: single nucleotide variant.
Coding change: c.68A>G on transcript NM_002880.4 (MANE Select); coding-DNA position 68, A replaced by G.
Protein change: p.Asp23Gly; replaces aspartic acid 23 with glycine.
Molecular consequence: missense variant. On other transcripts: 5 prime UTR variant (4), non-coding transcript variant (3).
Genome position (GRCh38, 1-based): chr3:12,618,654, T>C on the plus strand (A>G on the coding strand, the complement: RAF1 is on the minus strand). VCF-style: chr3-12618654-T-C. GRCh37 (hg19) VCF-style: chr3-12660153-T-C.
Other names: c.-63A>G (NM_001354691.3, NM_001354692.3, NM_001354695.3 and 1 more transcripts); c.68A>G, p.Asp23Gly (NM_001354690.3, NM_001354693.3, NM_001354689.3); short protein forms D23G.
Identifiers: ClinVar variation 2564926 (VCV002564926.2), dbSNP rs966682247, ClinGen allele CA351485140.
Genomic context (GRCh38, chr3:12,618,654, plus strand): 5'-GATGCCCGGCGCTGATAGCCAAACTGCTGAACTATTGTAGGAGAGATGCAGCTGGAGCCA[T>C]CAAACACGGCATCTTTGAATCCAAAACCATTGCTGATCGTCTTCCAAGCTCCCTGTATGT-3'
Protein context (NP_002871.1, residues 13-33): NGFGFKDAVF[Asp23Gly]GSSCISPTIV